The following is an entry in ClinVar:

ClinVar aggregate classification (germline): Likely benign. Review status: criteria provided, multiple submitters, no conflicts (2 of 4 stars). 7 submissions from 7 submitters: Likely benign (5). 2 of the submissions do not count toward it. Last evaluated 2026-02-02.

Conditions:
Intellectual disability, X-linked, with or without seizures, ARX-related. Also called: Mental retardation, X-linked 52; INTELLECTUAL DEVELOPMENTAL DISORDER, X-LINKED 29; MENTAL RETARDATION, X-LINKED 29; MENTAL RETARDATION, X-LINKED 32; MENTAL RETARDATION, X-LINKED 33; MENTAL RETARDATION, X-LINKED 38. Identifiers: Orphanet 777, MedGen C0796244, MONDO:0010317, OMIM 300419.
Developmental and epileptic encephalopathy, 1 (DEE1). Also called: OHTAHARA SYNDROME, X-LINKED; X-linked infantile spasms; West's syndrome; Tonic spasms with clustering, arrest of psychomotor development and hypsarrhythmia on EEG; X-Linked Infantile Spasm Syndrome; Epileptic encephalopathy, early infantile, 1. Identifiers: MedGen C3463992, MONDO:0010632, OMIM 308350. Disease mechanism: loss of function.

Allele frequency attached by ClinVar (database versions not stated): ExAC below 0.00001; TOPMed 0.00015; gnomAD 0.00020 and 0.00021; gnomAD exomes 0.00076.
gnomAD v4.1: 323 of 933,518 alleles (0.035%); highest among the groups gnomAD compares: Non-Finnish European, 0.041%; 1 homozygote.

Submissions (7):

Labcorp Genetics (formerly Invitae), Labcorp
Classification: Likely benign for Developmental and epileptic encephalopathy, 1; Intellectual disability, X-linked, with or without seizures, ARX-related. Last evaluated: 2026-02-02. Review status: criteria provided, single submitter. Criteria: Invitae Variant Classification Sherloc (09022015). Collection method: clinical testing. Allele origin: germline.

Blueprint Genetics
Classification: Likely benign. Last evaluated: 2024-11-06. Review status: criteria provided, single submitter. Criteria: ACMG Guidelines, 2015. Collection method: clinical testing. Allele origin: germline.

CeGaT Center for Human Genetics Tuebingen
Classification: Likely benign. Last evaluated: 2024-07-01. Review status: criteria provided, single submitter. Criteria: CeGaT Center For Human Genetics Tuebingen Variant Classification Criteria Version 2. Collection method: clinical testing. Allele origin: germline. Affected: yes. Observed: 3 variant alleles.
Comment: ARX: BP4, BP7, BS2

GeneDx
Classification: Likely benign. Last evaluated: 2020-12-09. Review status: criteria provided, single submitter. Criteria: GeneDx Variant Classification Process June 2021. Collection method: clinical testing. Allele origin: germline. Affected: yes.

Genetic Services Laboratory, University of Chicago
Classification: Likely benign. Last evaluated: 2016-06-30. Review status: criteria provided, single submitter. Criteria: ACMG Guidelines, 2015. Collection method: clinical testing. Allele origin: germline. Affected: no.

Clinical Genetics DNA and cytogenetics Diagnostics Lab, Erasmus MC, Erasmus Medical Center
Classification: Likely benign. Review status: no assertion criteria provided. Collection method: clinical testing. Allele origin: germline. Affected: yes. Study: VKGL Data-share Consensus. Not counted in ClinVar's aggregate classification.

Genome Diagnostics Laboratory, University Medical Center Utrecht
Classification: Likely benign. Review status: no assertion criteria provided. Collection method: clinical testing. Allele origin: germline. Affected: yes. Study: VKGL Data-share Consensus. Not counted in ClinVar's aggregate classification.

NM_139058.3(ARX):c.558G>T (p.Pro186=)

Gene: ARX (aristaless related homeobox; minus strand). Cytogenetic location: Xp21.3.
Variant type: single nucleotide variant.
Coding change: c.558G>T on transcript NM_139058.3 (MANE Select); coding-DNA position 558, G replaced by T.
Protein change: p.Pro186=; no amino-acid change (proline 186 retained).
Molecular consequence: synonymous variant.
Genome position (GRCh38, 1-based): chrX:25,013,437, C>A on the plus strand (G>T on the coding strand, the complement: ARX is on the minus strand). VCF-style: chrX-25013437-C-A. GRCh37 (hg19) VCF-style: chrX-25031554-C-A.
Identifiers: ClinVar variation 379128 (VCV000379128.45), dbSNP rs748764628, ClinGen allele CA10373894.
Genomic context (GRCh38, chrX:25,013,437, plus strand): 5'-GCCGAGGCGCTCCTCCGGGTGCGTGACGCCCCCCGGGCCGCCCAGCTCGTCCAGCGCGGG[C>A]GGCGGCGGCACGAAGGGCGCCCCGTTCTCGCGGTACGACTTGCTGCGGCTGATGCTCACC-3'
Protein context (NP_620689.1, residues 176-196): RENGAPFVPP[Pro186=]PALDELGGPG